The following is an entry in ClinVar:

ClinVar aggregate classification (germline): Uncertain significance (1 of 4 stars; one submission).

Submission:

GeneDx
Classification: Uncertain significance. Last evaluated: 2024-05-31. Review status: criteria provided, single submitter. Criteria: GeneDx Variant Classification Process June 2021. Collection method: clinical testing. Allele origin: germline. Affected: yes.
Comment: Not observed at significant frequency in large population cohorts (gnomAD); In silico analysis supports that this missense variant has a deleterious effect on protein structure/function; Has not been previously published as pathogenic or benign to our knowledge; In silico analysis is inconclusive as to whether the variant alters gene splicing. In the absence of RNA/functional studies, the actual effect of this sequence change is unknown.

NM_016284.5(CNOT1):c.1244A>G (p.Asn415Ser)

Gene: CNOT1 (CCR4-NOT transcription complex subunit 1; minus strand). Cytogenetic location: 16q21.
Variant type: single nucleotide variant.
Coding change: c.1244A>G on transcript NM_016284.5 (MANE Select); coding-DNA position 1244, A replaced by G.
Protein change: p.Asn415Ser; replaces asparagine 415 with serine.
Molecular consequence: missense variant. On other transcripts: non-coding transcript variant (1).
Genome position (GRCh38, 1-based): chr16:58,580,732, T>C on the plus strand (A>G on the coding strand, the complement: CNOT1 is on the minus strand). VCF-style: chr16-58580732-T-C. GRCh37 (hg19) VCF-style: chr16-58614636-T-C.
Other names: c.1244A>G, p.Asn415Ser (NM_001265612.2, NM_206999.3); short protein forms N415S.
Identifiers: ClinVar variation 3384450 (VCV003384450.1).